The following is an entry in ClinVar:

ClinVar aggregate classification (germline): Conflicting classifications of pathogenicity. Review status: criteria provided, conflicting classifications (1 of 4 stars). 6 submissions from 1 submitter: Uncertain significance (1); Benign (4); Likely benign (1). Last evaluated 2018-01-12.

Conditions:
Anophthalmia-microphthalmia syndrome. Also called: Anophthalmia/Microphthalmia; Anophthalmia - microphthalmia. Identifiers: Orphanet 98555, MedGen C5680330, MONDO:0020147.
carboxymethyl-dextran-A2-gadolinium-DOTA.
Autosomal dominant keratitis. Also called: Keratitis, hereditary. Identifiers: Orphanet 2334, MedGen C1835698, MONDO:0007848, OMIM 148190.
11p partial monosomy syndrome (WAGR). Also called: CHROMOSOME 11p13 DELETION SYNDROME; WAGR syndrome; WAGR Complex; WAGR Spectrum Disorder. Identifiers: Orphanet 893, MedGen C0206115, MONDO:0008681, OMIM 194072.
Foveal hypoplasia 1. Also called: FOVEAL HYPOPLASIA 1 WITH OR WITHOUT ANTERIOR SEGMENT ANOMALIES AND/OR CATARACT; FOVEAL HYPOPLASIA 1 WITH ANTERIOR SEGMENT ANOMALIES. Identifiers: Orphanet 2253, MedGen C3805604, MONDO:0007628, OMIM 136520.
Aniridia 1 (AN1). Identifiers: Orphanet 250923, MedGen C0344542, MONDO:0024507, OMIM 106210.

Allele frequency attached by ClinVar (database versions not stated): gnomAD exomes 0.00013; gnomAD 0.00058 and 0.00065; TOPMed 0.00069; 1000 Genomes Project 30x 0.00078; 1000 Genomes Project 0.00100.
gnomAD v4.1: 95 of 201,770 alleles (0.047%); highest among the groups gnomAD compares: African/African-American, 0.21%; no homozygotes.

Submissions (6):

Illumina Laboratory Services, Illumina
Classification: Uncertain significance for Anophthalmia-microphthalmia syndrome. Last evaluated: 2018-01-12. Review status: criteria provided, single submitter. Criteria: ICSL Variant Classification Criteria 13 December 2019. Collection method: clinical testing. Allele origin: germline.

Illumina Laboratory Services, Illumina
Classification: Likely benign for carboxymethyl-dextran-A2-gadolinium-DOTA. Last evaluated: 2018-01-12. Review status: criteria provided, single submitter. Criteria: ICSL Variant Classification Criteria 13 December 2019. Collection method: clinical testing. Allele origin: germline.
Comment: This variant was observed in the ICSL laboratory as part of a predisposition screen in an ostensibly healthy population. It had not been previously curated by ICSL or reported in the Human Gene Mutation Database (HGMD: prior to June 1st, 2018), and was therefore a candidate for classification through an automated scoring system. Utilizing variant allele frequency, disease prevalence and penetrance estimates, and inheritance mode, an automated score was calculated to assess if this variant is too frequent to cause the disease. Based on the score and internal cut-off values, a variant classified as likely benign is not then subjected to further curation. The score for this variant resulted in a classification of likely benign for this disease.

Illumina Laboratory Services, Illumina
Classification: Benign for Foveal hypoplasia 1. Last evaluated: 2018-01-12. Review status: criteria provided, single submitter. Criteria: ICSL Variant Classification Criteria 13 December 2019. Collection method: clinical testing. Allele origin: germline.
Comment: This variant was observed in the ICSL laboratory as part of a predisposition screen in an ostensibly healthy population. It had not been previously curated by ICSL or reported in the Human Gene Mutation Database (HGMD: prior to June 1st, 2018), and was therefore a candidate for classification through an automated scoring system. Utilizing variant allele frequency, disease prevalence and penetrance estimates, and inheritance mode, an automated score was calculated to assess if this variant is too frequent to cause the disease. Based on the score and internal cut-off values, a variant classified as benign is not then subjected to further curation. The score for this variant resulted in a classification of benign for this disease.

Illumina Laboratory Services, Illumina
Classification: Benign for Aniridia 1. Last evaluated: 2018-01-12. Review status: criteria provided, single submitter. Criteria: ICSL Variant Classification Criteria 13 December 2019. Collection method: clinical testing. Allele origin: germline.
Comment: the same text as in the submission from Illumina Laboratory Services, Illumina above.

Illumina Laboratory Services, Illumina
Classification: Benign for Wilms tumor, aniridia, genitourinary anomalies, and mental retardation syndrome. Last evaluated: 2018-01-12. Review status: criteria provided, single submitter. Criteria: ICSL Variant Classification Criteria 13 December 2019. Collection method: clinical testing. Allele origin: germline.
Comment: the same text as in the submission from Illumina Laboratory Services, Illumina above.

Illumina Laboratory Services, Illumina
Classification: Benign for Autosomal dominant keratitis. Last evaluated: 2018-01-12. Review status: criteria provided, single submitter. Criteria: ICSL Variant Classification Criteria 13 December 2019. Collection method: clinical testing. Allele origin: germline.
Comment: the same text as in the submission from Illumina Laboratory Services, Illumina above.

NM_001368894.2(PAX6):c.*891G>A

Genes: ELP4 (elongator acetyltransferase complex subunit 4; plus strand), PAX6 (paired box 6; minus strand). Cytogenetic location: 11p13.
Variant type: single nucleotide variant.
Coding change: c.*891G>A on transcript NM_001368894.2 (MANE Select); 891 bases downstream of the stop codon, G replaced by A.
Molecular consequence: 3 prime UTR variant. On other transcripts: non-coding transcript variant (2).
Genome position (GRCh38, 1-based): chr11:31,789,043, C>T on the plus strand (G>A on the coding strand, the complement: PAX6 is on the minus strand). VCF-style: chr11-31789043-C-T. GRCh37 (hg19) VCF-style: chr11-31810591-C-T.
Other names: c.*5505C>T (NM_001288725.2); c.*5614C>T (NM_001288726.2); c.*5519C>T (NM_019040.5); c.*891G>A (NM_000280.6, NM_001127612.3, NM_001258462.3 and 37 more transcripts); c.*587G>A (NM_001368911.2, NM_001368912.2, NM_001368913.2 and 6 more transcripts).
Identifiers: ClinVar variation 304345 (VCV000304345.7), dbSNP rs530259403, ClinGen allele CA10638306.